The following is an entry in ClinVar:

ClinVar aggregate classification (germline): Uncertain significance (1 of 4 stars; one submission).

Conditions:
Early-infantile DEE. Also called: Early infantile epileptic encephalopathy; Early infantile epileptic encephalopathy with suppression bursts; Ohtahara syndrome. Identifiers: Orphanet 1934, MedGen C0393706, MONDO:0800491.

gnomAD v4.1: 4 of 1,613,958 alleles (0.00025%); highest among the groups gnomAD compares: Non-Finnish European, 0.00034%; no homozygotes.

Submission:

Labcorp Genetics (formerly Invitae), Labcorp
Classification: Uncertain significance for Early-infantile DEE. Last evaluated: 2025-04-27. Review status: criteria provided, single submitter. Criteria: Invitae Variant Classification Sherloc (09022015). Collection method: clinical testing. Allele origin: germline.
Comment: This sequence change affects codon 349 of the ARHGEF15 mRNA. It is a 'silent' change, meaning that it does not change the encoded amino acid sequence of the ARHGEF15 protein. It affects a nucleotide within the consensus splice site. This variant is not present in population databases (gnomAD no frequency). This variant has not been reported in the literature in individuals affected with ARHGEF15-related conditions. Algorithms developed to predict the effect of sequence changes on RNA splicing suggest that this variant is not likely to affect RNA splicing. In summary, the available evidence is currently insufficient to determine the role of this variant in disease. Therefore, it has been classified as a Variant of Uncertain Significance.

NM_173728.4(ARHGEF15):c.1047T>C (p.Asp349=)

Gene: ARHGEF15 (Rho guanine nucleotide exchange factor 15; plus strand). Cytogenetic location: 17p13.1.
Variant type: single nucleotide variant.
Coding change: c.1047T>C on transcript NM_173728.4 (MANE Select); coding-DNA position 1047, T replaced by C.
Protein change: p.Asp349=; no amino-acid change (aspartic acid 349 retained).
Molecular consequence: synonymous variant.
Genome position (GRCh38, 1-based): chr17:8,314,963, T>C. VCF-style: chr17-8314963-T-C. GRCh37 (hg19) VCF-style: chr17-8218281-T-C.
Other names: c.1047T>C, p.Asp349= (NM_025014.2).
Identifiers: ClinVar variation 4807783 (VCV004807783.1).
Genomic context (GRCh38, chr17:8,314,963, plus strand): 5'-CAGGGAAGAGGAGGGGCTAGAGGTGCTGAAGGAGCAGAATTGGGAGCTGCCCCTGCAGGA[T>C]GGTGAGGGCCTCTGGACCTGAGGGTCCCTGCTGTGACCATCAAGCAGTGGGGAAGGGTTT-3'
Protein context (NP_776089.2, residues 339-359): KEQNWELPLQ[Asp349=]EPLYQTYRAA